The following is an entry in ClinVar:

NM_001367805.3(KIF23):c.134A>T (p.Glu45Val)

Gene: KIF23 (kinesin family member 23; plus strand). Cytogenetic location: 15q23.
Variant type: single nucleotide variant.
Coding change: c.134A>T on transcript NM_001367805.3 (MANE Select); coding-DNA position 134, A replaced by T.
Protein change: p.Glu45Val; replaces glutamic acid 45 with valine.
Molecular consequence: missense variant. On other transcripts: 5 prime UTR variant (1), non-coding transcript variant (2).
Genome position (GRCh38, 1-based): chr15:69,417,435, A>T. VCF-style: chr15-69417435-A-T. GRCh37 (hg19) VCF-style: chr15-69709774-A-T.
Other names: c.134A>T (NM_138555.2); c.-60A>T (NM_001281301.2); c.134A>T, p.Glu45Val (NM_001367804.2, NM_004856.7, NM_138555.4); short protein forms E45V.
Identifiers: ClinVar variation 1915743 (VCV001915743.6), dbSNP rs775044051, ClinGen allele CA7634814.
Genomic context (GRCh38, chr15:69,417,435, plus strand): 5'-TTCTTCAGGTATACTGTAGGGTGCGCCCACTGGGCTTTCCTGATCAAGAGTGTTGCATAG[A>T]AGTGATCAATAATACAACTGTTCAGCTTCATACTCCTGAGGGCTACAGACTCAACCGAAA-3'
Protein context (NP_001354734.1, residues 35-55): LGFPDQECCI[Glu45Val]VINNTTVQLH

ClinVar aggregate classification (germline): Uncertain significance. Review status: criteria provided, multiple submitters, no conflicts (2 of 4 stars). 2 submissions from 2 submitters: Uncertain significance (2). Last evaluated 2024-12-06.

Allele frequency attached by ClinVar (database versions not stated): gnomAD exomes 0.00001; TOPMed 0.00001; ExAC 0.00003.
gnomAD v4.1: 18 of 1,613,918 alleles (0.0011%); highest among the groups gnomAD compares: Middle Eastern, 0.017%; no homozygotes.

Submissions (2):

Labcorp Genetics (formerly Invitae), Labcorp
Classification: Uncertain significance. Last evaluated: 2024-12-06. Review status: criteria provided, single submitter. Criteria: Invitae Variant Classification Sherloc (09022015). Collection method: clinical testing. Allele origin: germline.
Comment: This sequence change replaces glutamic acid, which is acidic and polar, with valine, which is neutral and non-polar, at codon 45 of the KIF23 protein (p.Glu45Val). This variant is present in population databases (rs775044051, gnomAD 0.03%). This variant has not been reported in the literature in individuals affected with KIF23-related conditions. ClinVar contains an entry for this variant (Variation ID: 1915743). Invitae Evidence Modeling of protein sequence and biophysical properties (such as structural, functional, and spatial information, amino acid conservation, physicochemical variation, residue mobility, and thermodynamic stability) has been performed for this missense variant. However, the output from this modeling did not meet the statistical confidence thresholds required to predict the impact of this variant on KIF23 protein function. In summary, the available evidence is currently insufficient to determine the role of this variant in disease. Therefore, it has been classified as a Variant of Uncertain Significance.

Ambry Genetics
Classification: Uncertain significance. Last evaluated: 2024-05-29. Review status: criteria provided, single submitter. Criteria: Ambry Variant Classification Scheme 2023. Collection method: clinical testing. Allele origin: germline.